The following is an entry in ClinVar:

NM_001127671.2(LIFR):c.457T>G (p.Leu153Val)

Gene: LIFR (LIF receptor subunit alpha; minus strand). Cytogenetic location: 5p13.1.
Variant type: single nucleotide variant.
Coding change: c.457T>G on transcript NM_001127671.2 (MANE Select); coding-DNA position 457, T replaced by G.
Protein change: p.Leu153Val; replaces leucine 153 with valine.
Molecular consequence: missense variant.
Genome position (GRCh38, 1-based): chr5:38,523,523, A>C on the plus strand (T>G on the coding strand, the complement: LIFR is on the minus strand). VCF-style: chr5-38523523-A-C. GRCh37 (hg19) VCF-style: chr5-38523625-A-C.
Other names: c.457T>G, p.Leu153Val (NM_001364297.2, NM_001364298.2, NM_002310.6); short protein forms L153V.
Identifiers: ClinVar variation 2918347 (VCV002918347.3), dbSNP rs1331269703, ClinGen allele CA359615415.

ClinVar aggregate classification (germline): Uncertain significance (1 of 4 stars; one submission).

Allele frequency attached by ClinVar (database versions not stated): gnomAD 0.00001; gnomAD exomes 0.00001; TOPMed below 0.00001.
gnomAD v4.1: 8 of 1,613,148 alleles (0.0005%); highest among the groups gnomAD compares: Non-Finnish European, 0.00068%; no homozygotes.

Submission:

Labcorp Genetics (formerly Invitae), Labcorp
Classification: Uncertain significance. Last evaluated: 2025-03-18. Review status: criteria provided, single submitter. Criteria: Invitae Variant Classification Sherloc (09022015). Collection method: clinical testing. Allele origin: germline.
Comment: This sequence change replaces leucine, which is neutral and non-polar, with valine, which is neutral and non-polar, at codon 153 of the LIFR protein (p.Leu153Val). This variant is present in population databases (no rsID available, gnomAD 0.007%). This variant has not been reported in the literature in individuals affected with LIFR-related conditions. ClinVar contains an entry for this variant (Variation ID: 2918347). An algorithm developed to predict the effect of missense changes on protein structure and function (PolyPhen-2) suggests that this variant is likely to be tolerated. In summary, the available evidence is currently insufficient to determine the role of this variant in disease. Therefore, it has been classified as a Variant of Uncertain Significance.